The following is an entry in ClinVar:

NM_032539.5(SLITRK2):c.2485G>T (p.Glu829Ter)

Gene: SLITRK2 (SLIT and NTRK like family member 2; plus strand). Cytogenetic location: Xq27.3.
Variant type: single nucleotide variant.
Coding change: c.2485G>T on transcript NM_032539.5 (MANE Select); coding-DNA position 2485, G replaced by T.
Protein change: p.Glu829Ter; replaces glutamic acid 829 with a stop codon.
Molecular consequence: nonsense.
Genome position (GRCh38, 1-based): chrX:145,824,910, G>T. VCF-style: chrX-145824910-G-T. GRCh37 (hg19) VCF-style: chrX-144906428-G-T.
Other names: c.2485G>T, p.Glu829Ter (NM_001144003.3, NM_001144004.3, NM_001144005.3 and 4 more transcripts); short protein forms E829*.
Identifiers: ClinVar variation 2664963 (VCV002664963.2), dbSNP rs2124216662, ClinGen allele CA414505547.

ClinVar aggregate classification (germline): Uncertain significance (1 of 4 stars; one submission).

Conditions:
Intellectual developmental disorder, X-linked 111 (XLID111). Identifiers: MedGen C5829568, MONDO:0957203, OMIM 301107.

Submission:

Institute of Human Genetics, University of Leipzig Medical Center
Classification: Uncertain significance for Intellectual developmental disorder, X-linked 111. Last evaluated: 2023-11-29. Review status: criteria provided, single submitter. Criteria: ACMG Guidelines, 2015. Collection method: clinical testing. Allele origin: maternal. Inheritance: X-linked recessive inheritance. Affected: yes.
Comment: Criteria applied: PVS1_MOD,PM2_SUP